The following is an entry in ClinVar:

GRCh38/hg38 22q11.21(chr22:18906374-20319988)x1

Genes: ARVCF (ARVCF delta catenin family member; minus strand), C22orf39 (chromosome 22 open reading frame 39; minus strand), CCDC188 (coiled-coil domain containing 188; minus strand), CDC45 (cell division cycle 45; plus strand), CLDN5 (claudin 5; minus strand) and 103 more. Cytogenetic location: 22q11.21.
Variant type: copy number loss.
Change: copy number 1 (one copy instead of two) of chr22:18,906,374-20,319,988 (1.41 Mb, GRCh38 coordinates, 1-based), cytogenetic band 22q11.21.
Identifiers: ClinVar variation 4686719 (VCV004686719.1).

ClinVar aggregate classification (germline): Pathogenic (1 of 4 stars; one submission).

Conditions:
DiGeorge syndrome. Also called: THIRD AND FOURTH PHARYNGEAL POUCH SYNDROME; Catch22. Identifiers: Orphanet 567, MedGen C0012236, MONDO:0008564, OMIM 188400.

Submission:

The Central Laboratory of Birth Defects Prevention and Control, The Affiliated Women and Children's Hospital of Ningbo University
Classification: Pathogenic for DiGeorge syndrome. Last evaluated: 2025-11-28. Review status: criteria provided, single submitter. Criteria: ACMG/ClinGen CNV Guidelines, 2019. Collection method: clinical testing. Allele origin: de novo. Affected: yes.
Comment: This copy number loss involves 32 protein-coding genes, such as SLC25A1 (OMIM 190315）, GP1BBO (OMIM 138720), PRODH (OMIM 606810). This variant overlaps the 22q11.2 recurrent (DGS) region (proximal, A-B) (includes TBX1). The 22q11.2 recurrent (DGS) region is a haploinsufficiency-sensitive region and its deletion cause DiGeorge syndrome. In addition, there are no similar deletions reported in the general population in DGV database. Only one case (nssv1184570) is similar to this region in the ClinGen database, which was evaluated pathogenic by the uploader. Over 20 deletions similar to this variant have been reported in the Decipher database, and genetic origin of most cases are de novo or unknown. In summary, this variant meets criteria to be classified as pathogenic. The ACMG/ClinGen evidence codes and points used in this curation are as follows: 1A: 0 points, 2A: 1.0 points, 3B: 0.45 points; Total: 1.45 points (PMID: 31690835).